The following is an entry in ClinVar:

ClinVar aggregate classification (germline): Uncertain significance. Review status: criteria provided, multiple submitters, no conflicts (2 of 4 stars). 2 submissions from 2 submitters: Uncertain significance (2). Last evaluated 2025-06-25.

Conditions:
Hereditary cancer-predisposing syndrome. Also called: Hereditary Cancer Syndrome; Hereditary neoplastic syndrome; Neoplastic Syndromes, Hereditary; Tumor predisposition. Identifiers: Orphanet 140162, MedGen C0027672, MeSH D009386, MONDO:0015356.

Submissions (2):

Labcorp Genetics (formerly Invitae), Labcorp
Classification: Uncertain significance. Last evaluated: 2025-06-25. Review status: criteria provided, single submitter. Criteria: Invitae Variant Classification Sherloc (09022015). Collection method: clinical testing. Allele origin: germline.
Comment: This sequence change replaces glycine, which is neutral and non-polar, with aspartic acid, which is acidic and polar, at codon 1086 of the POLE protein (p.Gly1086Asp). This variant is not present in population databases (gnomAD no frequency). This variant has not been reported in the literature in individuals affected with POLE-related conditions. ClinVar contains an entry for this variant (Variation ID: 405599). Invitae Evidence Modeling of protein sequence and biophysical properties (such as structural, functional, and spatial information, amino acid conservation, physicochemical variation, residue mobility, and thermodynamic stability) indicates that this missense variant is not expected to disrupt POLE protein function with a negative predictive value of 80%. In summary, the available evidence is currently insufficient to determine the role of this variant in disease. Therefore, it has been classified as a Variant of Uncertain Significance.

Ambry Genetics
Classification: Uncertain significance for Hereditary cancer-predisposing syndrome. Last evaluated: 2025-03-03. Review status: criteria provided, single submitter. Criteria: Ambry Variant Classification Scheme 2023. Collection method: clinical testing. Allele origin: germline.
Comment: The p.G1086D variant (also known as c.3257G>A), located in coding exon 26 of the POLE gene, results from a G to A substitution at nucleotide position 3257. The glycine at codon 1086 is replaced by aspartic acid, an amino acid with similar properties. This amino acid position is highly conserved in available vertebrate species. In addition, the in silico prediction for this alteration is inconclusive. Based on the available evidence, the clinical significance of this variant remains unclear.

NM_006231.4(POLE):c.3257G>A (p.Gly1086Asp)

Gene: POLE (DNA polymerase epsilon, catalytic subunit; minus strand). Cytogenetic location: 12q24.33.
Variant type: single nucleotide variant.
Coding change: c.3257G>A on transcript NM_006231.4 (MANE Select); coding-DNA position 3257, G replaced by A.
Protein change: p.Gly1086Asp; replaces glycine 1086 with aspartic acid.
Molecular consequence: missense variant.
Genome position (GRCh38, 1-based): chr12:132,659,313, C>T on the plus strand (G>A on the coding strand, the complement: POLE is on the minus strand). VCF-style: chr12-132659313-C-T. GRCh37 (hg19) VCF-style: chr12-133235899-C-T.
Other names: c.3257G>A (NM_006231.2); short protein forms G1086D.
Identifiers: ClinVar variation 405599 (VCV000405599.9), dbSNP rs1060500778, ClinGen allele CA16613596.